The following is an entry in ClinVar:

NM_173354.5(SIK1):c.1198G>A (p.Val400Ile)

Gene: SIK1 (salt inducible kinase 1; minus strand). Cytogenetic location: 21q22.3.
Variant type: single nucleotide variant.
Coding change: c.1198G>A on transcript NM_173354.5 (MANE Select); coding-DNA position 1198, G replaced by A.
Protein change: p.Val400Ile; replaces valine 400 with isoleucine.
Molecular consequence: missense variant.
Genome position (GRCh38, 1-based): chr21:43,419,400, C>T on the plus strand (G>A on the coding strand, the complement: SIK1 is on the minus strand). VCF-style: chr21-43419400-C-T. GRCh37 (hg19) VCF-style: chr21-44839280-C-T.
Other names: short protein forms V400I.
Identifiers: ClinVar variation 956867 (VCV000956867.10), dbSNP rs746671842, ClinGen allele CA321326117.
Genomic context (GRCh38, chr21:43,419,400, plus strand): 5'-TGTGGGCACTCACCCACTGCAGCGAGCTCTGGAGCTCACAGTCCATCTCGGCCTGGAGGA[C>T]GGACTGCACCAAGGTCTGCGGCTGCGGGCACAGCAAGGCAGGTCGGAAAGGGTCGGTGGA-3'
Protein context (NP_775490.2, residues 390-410): CPQPQTLVQS[Val400Ile]LQAEMDCELQ

ClinVar aggregate classification (germline): Uncertain significance (1 of 4 stars; one submission).

Conditions:
Developmental and epileptic encephalopathy, 30 (DEE30). Also called: Epileptic encephalopathy, early infantile, 30. Identifiers: MedGen C4225360, MONDO:0014595, OMIM 616341.

Submission:

Labcorp Genetics (formerly Invitae), Labcorp
Classification: Uncertain significance for Developmental and epileptic encephalopathy, 30. Last evaluated: 2025-05-01. Review status: criteria provided, single submitter. Criteria: Invitae Variant Classification Sherloc (09022015). Collection method: clinical testing. Allele origin: germline.
Comment: This sequence change replaces valine, which is neutral and non-polar, with isoleucine, which is neutral and non-polar, at codon 400 of the SIK1 protein (p.Val400Ile). This variant is present in population databases (rs746671842, gnomAD 0.009%). This variant has not been reported in the literature in individuals affected with SIK1-related conditions. ClinVar contains an entry for this variant (Variation ID: 956867). Invitae Evidence Modeling of protein sequence and biophysical properties (such as structural, functional, and spatial information, amino acid conservation, physicochemical variation, residue mobility, and thermodynamic stability) indicates that this missense variant is not expected to disrupt SIK1 protein function with a negative predictive value of 95%. In summary, the available evidence is currently insufficient to determine the role of this variant in disease. Therefore, it has been classified as a Variant of Uncertain Significance.